The following is an entry in ClinVar:

ClinVar aggregate classification (germline): Likely pathogenic (1 of 4 stars; one submission).

Conditions:
Autosomal recessive limb-girdle muscular dystrophy. Identifiers: Orphanet 102015, MedGen C2931907, MONDO:0015152.

Submission:

Myriad Genetics, Inc.
Classification: Likely pathogenic for Autosomal recessive limb-girdle muscular dystrophy. Last evaluated: 2022-01-27. Review status: criteria provided, single submitter. Criteria: Myriad Autosomal Dominant, Autosomal Recessive and X-Linked Classification Criteria (2023). Collection method: clinical testing. Allele origin: unknown.
Comment: NM_003494.3(DYSF):c.2178_2179delCA(I727Pfs*2) is expected to be pathogenic in the context of dysferlinopathy. This variant is predicted to lead to an abnormal or absent protein product due to the creation of a premature termination codon in DYSF, a gene where loss-of-function variants are known to be pathogenic. Please note: this variant was assessed in the context of healthy population screening.

NM_001130987.2(DYSF):c.2232_2233del (p.Ile745fs)

Gene: DYSF (dysferlin; plus strand). Cytogenetic location: 2p13.2.
Variant type: Deletion.
Coding change: c.2232_2233del on transcript NM_001130987.2 (MANE Select); coding-DNA positions 2232 to 2233, 2 bases deleted (CA; older notation c.2232_2233delCA).
Protein change: p.Ile745fs; shifts the reading frame from isoleucine 745.
Molecular consequence: frameshift variant.
Genome position (GRCh38, 1-based): chr2:71,561,767-71,561,768, CA deleted; deleting any 2 consecutive bases within chr2:71,561,766-71,561,768 gives the same sequence; the c. name uses the placement nearest the transcript's 3' end. VCF-style (leftmost placement, unchanged base first): chr2-71561765-GAC-G. GRCh37 (hg19) VCF-style: chr2-71788895-GAC-G.
Other names: c.2181_2182del, p.Ile728fs (NM_001130455.2, NM_001130983.2); c.2136_2137del, p.Ile713fs (NM_001130976.2, NM_001130977.2); c.2178_2179del, p.Ile727fs (NM_001130978.2, NM_003494.4); c.2271_2272del, p.Ile758fs (NM_001130979.2); c.2229_2230del, p.Ile744fs (NM_001130980.2, NM_001130981.2); c.2274_2275del, p.Ile759fs (NM_001130982.2); c.2139_2140del, p.Ile714fs (NM_001130984.2, NM_001130986.2); c.2232_2233del, p.Ile745fs (NM_001130985.2); short protein forms I713fs, I714fs, I727fs, I728fs, I744fs, I745fs, I758fs, I759fs.
Identifiers: ClinVar variation 1724146 (VCV001724146.3), dbSNP rs2545752835, ClinGen allele CA2580067846.